The following is an entry in ClinVar:

NM_001019.5(RPS15A):c.302T>G (p.Phe101Cys)

Gene: RPS15A (ribosomal protein S15a; minus strand). Cytogenetic location: 16p12.3.
Variant type: single nucleotide variant.
Coding change: c.302T>G on transcript NM_001019.5 (MANE Select); coding-DNA position 302, T replaced by G.
Protein change: p.Phe101Cys; replaces phenylalanine 101 with cysteine.
Molecular consequence: missense variant.
Genome position (GRCh38, 1-based): chr16:18,783,100, A>C on the plus strand (T>G on the coding strand, the complement: RPS15A is on the minus strand). VCF-style: chr16-18783100-A-C. GRCh37 (hg19) VCF-style: chr16-18794422-A-C.
Other names: c.302T>G, p.Phe101Cys (NM_001030009.2); short protein forms F101C.
Identifiers: ClinVar variation 4706331 (VCV004706331.1).
Genomic context (GRCh38, chr16:18,783,100, plus strand): 5'-GTGTGTTTTCGTCTTGCTTCTTCATGGTCCATGATGCCAGCTGAGGTTGTCAGTACAATG[A>C]AACTATGGAGTGGAAAAAGAAAGTGCTGGTAAGTTTAATAGTTCAACATAGTGCCTTCTA-3'
Protein context (NP_001010.2, residues 91-111): NNLLPSRQFG[Phe101Cys]IVLTTSAGIM

ClinVar aggregate classification (germline): Uncertain significance (1 of 4 stars; one submission).

Submission:

Labcorp Genetics (formerly Invitae), Labcorp
Classification: Uncertain significance. Last evaluated: 2025-10-23. Review status: criteria provided, single submitter. Criteria: Invitae Variant Classification Sherloc (09022015). Collection method: clinical testing. Allele origin: germline.
Comment: This sequence change replaces phenylalanine, which is neutral and non-polar, with cysteine, which is neutral and slightly polar, at codon 101 of the RPS15A protein (p.Phe101Cys). This variant is not present in population databases (gnomAD no frequency). This variant has not been reported in the literature in individuals affected with RPS15A-related conditions. An algorithm developed to predict the effect of missense changes on protein structure and function (PolyPhen-2) suggests that this variant is likely to be tolerated. In summary, the available evidence is currently insufficient to determine the role of this variant in disease. Therefore, it has been classified as a Variant of Uncertain Significance.